The following is an entry in ClinVar:

ClinVar aggregate classification (germline): Conflicting classifications of pathogenicity. Review status: criteria provided, conflicting classifications (1 of 4 stars). 3 submissions from 3 submitters: Uncertain significance (2); Likely benign (1). Last evaluated 2025-09-14.

Conditions:
Intellectual disability, autosomal dominant 16 (CSS4). Also called: COFFIN-SIRIS SYNDROME 4. Identifiers: Orphanet 1465, MedGen C3553249, MONDO:0013821, OMIM 614609.
Hereditary cancer-predisposing syndrome. Also called: Neoplastic Syndromes, Hereditary; Tumor predisposition; Hereditary Cancer Syndrome; Hereditary neoplastic syndrome. Identifiers: Orphanet 140162, MedGen C0027672, MeSH D009386, MONDO:0015356.
Rhabdoid tumor predisposition syndrome 2 (RTPS2). Identifiers: Orphanet 231108, Orphanet 69077, MedGen C2750074, MONDO:0013224, OMIM 613325.

Allele frequency attached by ClinVar (database versions not stated): gnomAD exomes below 0.00001 and 0.00001; ESP Exome Variant Server 0.00008; TOPMed below 0.00001; ExAC 0.00001.
gnomAD v4.1: 4 of 1,604,282 alleles (0.00025%); highest among the groups gnomAD compares: Non-Finnish European, 0.00026%; no homozygotes.

Submissions (3):

Labcorp Genetics (formerly Invitae), Labcorp
Classification: Uncertain significance for Rhabdoid tumor predisposition syndrome 2. Last evaluated: 2025-09-14. Review status: criteria provided, single submitter. Criteria: Invitae Variant Classification Sherloc (09022015). Collection method: clinical testing. Allele origin: germline.
Comment: This sequence change replaces glutamine, which is neutral and polar, with lysine, which is basic and polar, at codon 335 of the SMARCA4 protein (p.Gln335Lys). This variant is present in population databases (rs374054124, gnomAD 0.001%). This variant has not been reported in the literature in individuals affected with SMARCA4-related conditions. ClinVar contains an entry for this variant (Variation ID: 484975). An algorithm developed to predict the effect of missense changes on protein structure and function (PolyPhen-2) suggests that this variant is likely to be tolerated. In summary, the available evidence is currently insufficient to determine the role of this variant in disease. Therefore, it has been classified as a Variant of Uncertain Significance.

Ambry Genetics
Classification: Likely benign for Hereditary cancer-predisposing syndrome. Last evaluated: 2023-11-14. Review status: criteria provided, single submitter. Criteria: Ambry Variant Classification Scheme 2023. Collection method: clinical testing. Allele origin: germline.

Genome-Nilou Lab
Classification: Uncertain significance for Intellectual disability, autosomal dominant 16. Last evaluated: 2021-07-15. Review status: criteria provided, single submitter. Criteria: ACMG Guidelines, 2015. Collection method: clinical testing. Allele origin: germline. Affected: no.

NM_003072.5(SMARCA4):c.1003C>A (p.Gln335Lys)

Gene: SMARCA4 (SWI/SNF related BAF chromatin remodeling complex subunit ATPase 4; plus strand). Cytogenetic location: 19p13.2.
Variant type: single nucleotide variant.
Coding change: c.1003C>A on transcript NM_003072.5 (MANE Select); coding-DNA position 1003, C replaced by A.
Protein change: p.Gln335Lys; replaces glutamine 335 with lysine.
Molecular consequence: missense variant. On other transcripts: non-coding transcript variant (1).
Genome position (GRCh38, 1-based): chr19:10,987,809, C>A. VCF-style: chr19-10987809-C-A. GRCh37 (hg19) VCF-style: chr19-11098485-C-A.
Other names: c.1003C>A, p.Gln335Lys (NM_001128844.3, NM_001128845.2, NM_001128846.2 and 5 more transcripts); short protein forms Q335K.
Identifiers: ClinVar variation 484975 (VCV000484975.15), dbSNP rs374054124, ClinGen allele CA9203653.
Genomic context (GRCh38, chr19:10,987,809, plus strand): 5'-CCCCCTGCCGTCCCACCCGCCGCCTCGCCCGTGATGCCACCGCAGACCCAGTCCCCCGGG[C>A]AGCCGGCCCAGCCCGCGCCCATGGTGCCACTGCACCAGAAGCAGAGCCGCATCACCCCCA-3'
Protein context (NP_003063.2, residues 325-345): VMPPQTQSPG[Gln335Lys]PAQPAPMVPL